The following is an entry in ClinVar:

ClinVar aggregate classification (germline): Uncertain significance (1 of 4 stars; one submission).

Conditions:
Age related macular degeneration 1 (ARMD1). Also called: MACULOPATHY, AGE-RELATED, 1. Identifiers: MedGen C1864205, MONDO:0011285, OMIM 603075.

gnomAD v4.1: 3 of 1,614,080 alleles (0.00019%); highest among the groups gnomAD compares: East Asian, 0.0067%; no homozygotes.

Submission:

Juno Genomics, Hangzhou Juno Genomics, Inc
Classification: Uncertain significance for Age related macular degeneration 1. Review status: criteria provided, single submitter. Criteria: ACMG Guidelines, 2015. Collection method: clinical testing. Allele origin: germline.
Comment: Absent from controls (or at extremely low frequency if recessive) in Genome Aggregation Database.;Multiple lines of computational evidence support a deleterious effect on the gene or gene product.

NM_031935.3(HMCN1):c.14522G>A (p.Cys4841Tyr)

Gene: HMCN1 (hemicentin 1; plus strand). Cytogenetic location: 1q31.1.
Variant type: single nucleotide variant.
Coding change: c.14522G>A on transcript NM_031935.3 (MANE Select); coding-DNA position 14522, G replaced by A.
Protein change: p.Cys4841Tyr; replaces cysteine 4841 with tyrosine.
Molecular consequence: missense variant.
Genome position (GRCh38, 1-based): chr1:186,145,837, G>A. VCF-style: chr1-186145837-G-A. GRCh37 (hg19) VCF-style: chr1-186114969-G-A.
Other names: short protein forms C4841Y.
Identifiers: ClinVar variation 5005396 (VCV005005396.2).